The following is an entry in ClinVar:

ClinVar aggregate classification (germline): Uncertain significance (1 of 4 stars; one submission).

Submission:

GeneDx
Classification: Uncertain significance. Last evaluated: 2021-01-13. Review status: criteria provided, single submitter. Criteria: GeneDx Variant Classification Process June 2021. Collection method: clinical testing. Allele origin: germline. Affected: yes.
Comment: Not observed in large population cohorts (Lek et al., 2016); Missense variant in a gene in which most reported pathogenic variants are truncating/loss-of-function; Has not been previously published as pathogenic or benign to our knowledge

NM_001267550.2(TTN):c.13574A>C (p.Glu4525Ala)

Gene: TTN (titin; minus strand). Cytogenetic location: 2q31.2.
Variant type: single nucleotide variant.
Coding change: c.13574A>C on transcript NM_001267550.2 (MANE Select); coding-DNA position 13574, A replaced by C.
Protein change: p.Glu4525Ala; replaces glutamic acid 4525 with alanine.
Molecular consequence: missense variant. On other transcripts: intron variant (1).
Genome position (GRCh38, 1-based): chr2:178,739,659, T>G on the plus strand (A>C on the coding strand, the complement: TTN is on the minus strand). VCF-style: chr2-178739659-T-G. GRCh37 (hg19) VCF-style: chr2-179604386-T-G.
Other names: c.12623A>C, p.Glu4208Ala (NM_001256850.1); c.12485A>C, p.Glu4162Ala (NM_003319.4); c.12860A>C, p.Glu4287Ala (NM_133432.3); c.13061A>C, p.Glu4354Ala (NM_133437.4); c.10361-1299A>C (NM_133378.4); short protein forms E4162A, E4208A, E4287A, E4354A, E4525A.
Identifiers: ClinVar variation 1313974 (VCV001313974.2), dbSNP rs2082136283, ClinGen allele CA349607342.